The following is an entry in ClinVar:

NM_006019.4(TCIRG1):c.1419del (p.Ser474fs)

Gene: TCIRG1 (T cell immune regulator 1, ATPase H+ transporting V0 subunit a3; plus strand). Cytogenetic location: 11q13.2.
Variant type: Deletion.
Coding change: c.1419del on transcript NM_006019.4 (MANE Select); coding-DNA position 1419, one base deleted (C; older notation c.1419delC).
Protein change: p.Ser474fs; shifts the reading frame from serine 474.
Molecular consequence: frameshift variant.
Genome position (GRCh38, 1-based): chr11:68,047,760, C deleted; the last of 4 consecutive C bases (chr11:68,047,757-68,047,760); deleting any one gives the same sequence. VCF-style (leftmost placement, unchanged base first): chr11-68047756-TC-T. GRCh37 (hg19) VCF-style: chr11-67815223-TC-T.
Other names: c.525del, p.Ser176fs (NM_001351059.2); c.771del, p.Ser258fs (NM_006053.4); short protein forms S176fs, S258fs, S474fs.
Identifiers: ClinVar variation 1725044 (VCV001725044.2), dbSNP rs2495647470, ClinGen allele CA2580084815.

ClinVar aggregate classification (germline): Likely pathogenic (1 of 4 stars; one submission).

Conditions:
Autosomal recessive osteopetrosis 1. Also called: TCIRG1-Related Autosomal Recessive Osteopetrosis; ALBERS-SCHONBERG DISEASE, AUTOSOMAL RECESSIVE; TCIRG1-Related Osteopetrosis. Identifiers: Orphanet 667, MedGen C1850127, MONDO:0009815, OMIM 259700.

Submission:

Myriad Genetics, Inc.
Classification: Likely pathogenic for Autosomal recessive osteopetrosis 1. Last evaluated: 2022-03-06. Review status: criteria provided, single submitter. Criteria: Myriad Women's Health Autosomal Recessive and X-Linked Classification Criteria (2021). Collection method: clinical testing. Allele origin: unknown.
Comment: NM_006019.3(TCIRG1):c.1419delC(S474Rfs*54) is expected to be pathogenic in the context of autosomal recessive osteopetrosis type 1. This variant is predicted to lead to an abnormal or absent protein product due to the creation of a premature termination codon in TCIRG1, a gene where loss-of-function variants are known to be pathogenic. Please note: this variant was assessed in the context of healthy population screening.